The following is an entry in ClinVar:

NM_001849.4(COL6A2):c.1053+1G>T

Gene: COL6A2 (collagen type VI alpha 2 chain; plus strand). Cytogenetic location: 21q22.3.
Variant type: single nucleotide variant.
Coding change: c.1053+1G>T on transcript NM_001849.4 (MANE Select); the canonical splice donor site of the intron after coding-DNA position 1053, G replaced by T.
Molecular consequence: splice donor variant.
Genome position (GRCh38, 1-based): chr21:46,117,454, G>T. VCF-style: chr21-46117454-G-T. GRCh37 (hg19) VCF-style: chr21-47537368-G-T.
Other names: c.1053+1G>T (NM_058175.3, NM_058174.3).
Identifiers: ClinVar variation 4710608 (VCV004710608.1).

ClinVar aggregate classification (germline): Pathogenic (1 of 4 stars; one submission).

Conditions:
Bethlem myopathy 1A. Also called: MYOPATHY, BENIGN CONGENITAL, WITH CONTRACTURES; Bethlem myopathy 1; Bethlem Muscular Dystrophy. Identifiers: Orphanet 610, MedGen CN029274, MONDO:0024530, OMIM 158810.

Submission:

Labcorp Genetics (formerly Invitae), Labcorp
Classification: Pathogenic for Bethlem myopathy 1A. Last evaluated: 2025-07-13. Review status: criteria provided, single submitter. Criteria: Invitae Variant Classification Sherloc (09022015). Collection method: clinical testing. Allele origin: germline.
Comment: This sequence change affects a donor splice site in intron 11 of the COL6A2 gene. It is expected to disrupt RNA splicing. Variants that disrupt the donor or acceptor splice site typically lead to a loss of protein function (PMID: 16199547), and loss-of-function variants in COL6A2 are known to be disease-causing for autosomal recessive COL6A2-related conditions (PMID: 21280092, 20976770). However, certain variants affecting donor or acceptor splice sites in the triple helical domain of COL6A2 are expected to result in in-frame exon skipping and have been reported to cause autosomal dominant COL6A2-related conditions (PMID: 18366090). This variant is not present in population databases (gnomAD no frequency). Disruption of this splice site has been observed in individuals with autosomal dominant myopathy (PMID: 24271325, 33101984, 34167565; internal data). Algorithms developed to predict the effect of sequence changes on RNA splicing suggest that this variant may disrupt the consensus splice site. For these reasons, this variant has been classified as Pathogenic.

Literature cited by the submitters: PubMed 16199547; PubMed 21280092; PubMed 20976770; PubMed 18366090; PubMed 24271325; PubMed 33101984; PubMed 34167565.